The following is an entry in ClinVar:

NM_000051.4(ATM):c.2377_2378dup (p.Ser794fs)

Gene: ATM (ATM serine/threonine kinase; plus strand). Cytogenetic location: 11q22.3.
Variant type: Duplication.
Coding change: c.2377_2378dup on transcript NM_000051.4 (MANE Select); coding-DNA positions 2377 to 2378, 2 bases duplicated (AA; older notation c.2377_2378dupAA).
Protein change: p.Ser794fs; shifts the reading frame from serine 794.
Molecular consequence: frameshift variant.
Genome position (GRCh38, 1-based): chr11:108,258,986-108,258,987, AA duplicated. VCF-style (leftmost placement, unchanged base first): chr11-108258985-G-GAA. GRCh37 (hg19) VCF-style: chr11-108129712-G-GAA.
Other names: c.2377_2378dup, p.Ser794fs (NM_001351834.2); c.2377_2378dupAA (NM_000051.3); short protein forms S794fs.
Identifiers: ClinVar variation 371070 (VCV000371070.11), dbSNP rs1057516980, ClinGen allele CA16041392.
Genomic context (GRCh38, chr11:108,258,985, plus strand): 5'-CTGCCAAGAATAATTGTTTTTATTTCTTTGTTGCTTGGTTCTTTGTTTGTCTTAATTGCA[G>GAA]AAGAGTCCAAATAAGATTGCATCTGGCTTTTTCCTGCGATTGTTAACATCAAAGCTAATG-3'

ClinVar aggregate classification (germline): Pathogenic. Review status: criteria provided, multiple submitters, no conflicts (2 of 4 stars). 4 submissions from 4 submitters: Pathogenic (3). 1 of the submissions does not count toward it. Last evaluated 2024-01-17.

Conditions:
Hereditary cancer-predisposing syndrome. Also called: Tumor predisposition; Hereditary Cancer Syndrome; Hereditary neoplastic syndrome; Neoplastic Syndromes, Hereditary. Identifiers: Orphanet 140162, MedGen C0027672, MeSH D009386, MONDO:0015356.
Familial cancer of breast. Also called: Hereditary breast cancer; BREAST CANCER, FAMILIAL; hereditary breast carcinoma. Identifiers: Orphanet 227535, MedGen C0346153, MONDO:0016419, OMIM 114480. Disease mechanism: loss of function.
Ataxia-telangiectasia syndrome (AT). Also called: ATAXIA-TELANGIECTASIA, COMPLEMENTATION GROUP A; ATAXIA-TELANGIECTASIA, FRESNO VARIANT; Ataxia-telangiectasia; Ataxia telangiectasia (A-T); Cerebello-oculocutaneous telangiectasia; Immunodeficiency with ataxia telangiectasia. Identifiers: Orphanet 100, MedGen C0004135, MONDO:0008840, OMIM 208900.

Submissions (4):

Myriad Genetics, Inc.
Classification: Pathogenic for Familial cancer of breast. Last evaluated: 2024-01-17. Review status: criteria provided, single submitter. Criteria: Myriad Autosomal Dominant, Autosomal Recessive and X-Linked Classification Criteria (2023). Collection method: clinical testing. Allele origin: unknown.
Comment: This variant is considered pathogenic. This variant creates a frameshift predicted to result in premature protein truncation.

Ambry Genetics
Classification: Pathogenic for Hereditary cancer-predisposing syndrome. Last evaluated: 2022-04-22. Review status: criteria provided, single submitter. Criteria: Ambry Variant Classification Scheme 2023. Collection method: clinical testing. Allele origin: germline.
Comment: The c.2377_2378dupAA pathogenic mutation, located in coding exon 15 of the ATM gene, results from a duplication of AA at nucleotide position 2377, causing a translational frameshift with a predicted alternate stop codon (p.S794Rfs*15). This alteration is expected to result in loss of function by premature protein truncation or nonsense-mediated mRNA decay. As such, this alteration is interpreted as a disease-causing mutation.

Labcorp Genetics (formerly Invitae), Labcorp
Classification: Pathogenic for Ataxia-telangiectasia syndrome. Last evaluated: 2020-08-27. Review status: criteria provided, single submitter. Criteria: Invitae Variant Classification Sherloc (09022015). Collection method: clinical testing. Allele origin: germline.
Comment: Loss-of-function variants in ATM are known to be pathogenic (PMID: 23807571, 25614872). For these reasons, this variant has been classified as Pathogenic. This variant has not been reported in the literature in individuals with ATM-related conditions. ClinVar contains an entry for this variant (Variation ID: 371070). This variant is not present in population databases (ExAC no frequency). This sequence change creates a premature translational stop signal (p.Ser794Argfs*15) in the ATM gene. It is expected to result in an absent or disrupted protein product.

Counsyl
Classification: Likely pathogenic for Ataxia-telangiectasia syndrome. Last evaluated: 2016-09-16. Review status: no assertion criteria provided. Collection method: clinical testing. Allele origin: unknown. Not counted in ClinVar's aggregate classification.

Literature cited by the submitters: PubMed 23807571 (cited by Labcorp Genetics (formerly Invitae), Labcorp); PubMed 25614872 (cited by Labcorp Genetics (formerly Invitae), Labcorp).